The following is an entry in ClinVar:

ClinVar aggregate classification (germline): Uncertain significance (1 of 4 stars; one submission).

gnomAD v4.1: 2 of 1,614,202 alleles (0.00012%); highest among the groups gnomAD compares: Non-Finnish European, 0.00017%; no homozygotes.

Submission:

Labcorp Genetics (formerly Invitae), Labcorp
Classification: Uncertain significance. Last evaluated: 2023-10-05. Review status: criteria provided, single submitter. Criteria: Invitae Variant Classification Sherloc (09022015). Collection method: clinical testing. Allele origin: germline.
Comment: This sequence change replaces alanine, which is neutral and non-polar, with threonine, which is neutral and polar, at codon 1163 of the NLRP1 protein (p.Ala1163Thr). This variant is not present in population databases (gnomAD no frequency). This variant has not been reported in the literature in individuals affected with NLRP1-related conditions. Algorithms developed to predict the effect of missense changes on protein structure and function output the following: SIFT: "Not Available"; PolyPhen-2: "Possibly Damaging"; Align-GVGD: "Not Available". The threonine amino acid residue is found in multiple mammalian species, which suggests that this missense change does not adversely affect protein function. In summary, the available evidence is currently insufficient to determine the role of this variant in disease. Therefore, it has been classified as a Variant of Uncertain Significance.

NM_033004.4(NLRP1):c.3487G>A (p.Ala1163Thr)

Gene: NLRP1 (NLR family pyrin domain containing 1; minus strand). Cytogenetic location: 17p13.2.
Variant type: single nucleotide variant.
Coding change: c.3487G>A on transcript NM_033004.4 (MANE Select); coding-DNA position 3487, G replaced by A.
Protein change: p.Ala1163Thr; replaces alanine 1163 with threonine.
Molecular consequence: missense variant.
Genome position (GRCh38, 1-based): chr17:5,530,514, C>T on the plus strand (G>A on the coding strand, the complement: NLRP1 is on the minus strand). VCF-style: chr17-5530514-C-T. GRCh37 (hg19) VCF-style: chr17-5433834-C-T.
Other names: c.3499G>A, p.Ala1167Thr (NM_001033053.3); c.3487G>A, p.Ala1163Thr (NM_014922.5); c.3397G>A, p.Ala1133Thr (NM_033006.4, NM_033007.4); short protein forms A1133T, A1163T, A1167T.
Identifiers: ClinVar variation 2749999 (VCV002749999.3), dbSNP rs181119217, ClinGen allele CA397390405.
Genomic context (GRCh38, chr17:5,530,514, plus strand): 5'-TCCTCCCTATCCTTCCCTGTTGTTTACCTTGGAGAGCCACAAAGTGAGGGAGGTGCACAG[C>T]TTCCACAGCTCCAGGCTCAGCCTTGATGTCCAGCAGAGGCCCTGCCACCATCCAGCTGTG-3'
Protein context (NP_127497.1, residues 1153-1173): DIKAEPGAVE[Ala1163Thr]VHLPHFVALQ